The following is an entry in ClinVar:

ClinVar aggregate classification (germline): Benign/Likely benign. Review status: criteria provided, multiple submitters, no conflicts (2 of 4 stars). 4 submissions from 3 submitters: Benign (2); Likely benign (2). Last evaluated 2026-01-28.

Conditions:
Wagner disease. Also called: WAGNER VITREORETINAL DEGENERATION; Wagner Vitreoretinal Degeneration (Wagner Synrdome); Wagner syndrome; HYALOIDEORETINAL DEGENERATION OF WAGNER; WAGNER VITREORETINOPATHY; WAGNER SYNDROME 1. Identifiers: Orphanet 898, MedGen C1840452, MONDO:0007740, OMIM 143200.
Vitreoretinopathy. Also called: Vitreoretinal degeneration. Identifiers: MedGen C0344290, MONDO:0020248, HP:0007773.

Allele frequency attached by ClinVar (database versions not stated): TOPMed 0.00003; gnomAD 0.00004 and 0.00007; 1000 Genomes Project 30x 0.00016; 1000 Genomes Project 0.00020.
gnomAD v4.1: 225 of 1,610,472 alleles (0.014%); highest among the groups gnomAD compares: East Asian, 0.42%; 3 homozygotes.

Submissions (4):

Labcorp Genetics (formerly Invitae), Labcorp
Classification: Likely benign. Last evaluated: 2026-01-28. Review status: criteria provided, single submitter. Criteria: Invitae Variant Classification Sherloc (09022015). Collection method: clinical testing. Allele origin: germline.

Blueprint Genetics
Classification: Likely benign. Last evaluated: 2024-04-18. Review status: criteria provided, single submitter. Criteria: ACMG Guidelines, 2015. Collection method: clinical testing. Allele origin: germline.

Illumina Laboratory Services, Illumina
Classification: Benign for Wagner disease. Last evaluated: 2018-01-13. Review status: criteria provided, single submitter. Criteria: ICSL Variant Classification Criteria 13 December 2019. Collection method: clinical testing. Allele origin: germline.
Comment: This variant was observed in the ICSL laboratory as part of a predisposition screen in an ostensibly healthy population. It had not been previously curated by ICSL or reported in the Human Gene Mutation Database (HGMD: prior to June 1st, 2018), and was therefore a candidate for classification through an automated scoring system. Utilizing variant allele frequency, disease prevalence and penetrance estimates, and inheritance mode, an automated score was calculated to assess if this variant is too frequent to cause the disease. Based on the score and internal cut-off values, a variant classified as benign is not then subjected to further curation. The score for this variant resulted in a classification of benign for this disease.

Illumina Laboratory Services, Illumina
Classification: Benign for Vitreoretinopathy. Last evaluated: 2018-01-13. Review status: criteria provided, single submitter. Criteria: ICSL Variant Classification Criteria 13 December 2019. Collection method: clinical testing. Allele origin: germline.
Comment: the same text as in the submission from Illumina Laboratory Services, Illumina above.

NM_004385.5(VCAN):c.9009G>A (p.Thr3003=)

Genes: VCAN (versican; plus strand), VCAN-AS1 (VCAN antisense RNA 1; minus strand). Cytogenetic location: 5q14.3.
Variant type: single nucleotide variant.
Coding change: c.9009G>A on transcript NM_004385.5 (MANE Select); coding-DNA position 9009, G replaced by A.
Protein change: p.Thr3003=; no amino-acid change (threonine 3003 retained).
Molecular consequence: synonymous variant. On other transcripts: intron variant (2).
Genome position (GRCh38, 1-based): chr5:83,542,012, G>A. VCF-style: chr5-83542012-G-A. GRCh37 (hg19) VCF-style: chr5-82837831-G-A.
Other names: c.6048G>A, p.Thr2016= (NM_001164097.2); c.4004-3525G>A (NM_001164098.2); c.1043-3525G>A (NM_001126336.3).
Identifiers: ClinVar variation 907644 (VCV000907644.13), dbSNP rs200462738, ClinGen allele CA3333890.